The following is an entry in ClinVar:

ClinVar aggregate classification (germline): Uncertain significance (1 of 4 stars; one submission).

gnomAD v4.1: 101 of 1,485,166 alleles (0.0068%); highest among the groups gnomAD compares: East Asian, 0.29%; 1 homozygote.

Submission:

Labcorp Genetics (formerly Invitae), Labcorp
Classification: Uncertain significance. Last evaluated: 2024-10-28. Review status: criteria provided, single submitter. Criteria: Invitae Variant Classification Sherloc (09022015). Collection method: clinical testing. Allele origin: germline.
Comment: This sequence change replaces proline, which is neutral and non-polar, with leucine, which is neutral and non-polar, at codon 1308 of the GRIN2D protein (p.Pro1308Leu). The frequency data for this variant in the population databases is considered unreliable, as metrics indicate poor data quality at this position in the gnomAD database. This variant has not been reported in the literature in individuals affected with GRIN2D-related conditions. Invitae Evidence Modeling of protein sequence and biophysical properties (such as structural, functional, and spatial information, amino acid conservation, physicochemical variation, residue mobility, and thermodynamic stability) indicates that this missense variant is not expected to disrupt GRIN2D protein function with a negative predictive value of 95%. In summary, the available evidence is currently insufficient to determine the role of this variant in disease. Therefore, it has been classified as a Variant of Uncertain Significance.

NM_000836.4(GRIN2D):c.3923C>T (p.Pro1308Leu)

Gene: GRIN2D (glutamate ionotropic receptor NMDA type subunit 2D; plus strand). Cytogenetic location: 19q13.33.
Variant type: single nucleotide variant.
Coding change: c.3923C>T on transcript NM_000836.4 (MANE Select); coding-DNA position 3923, C replaced by T.
Protein change: p.Pro1308Leu; replaces proline 1308 with leucine.
Molecular consequence: missense variant.
Genome position (GRCh38, 1-based): chr19:48,443,849, C>T. VCF-style: chr19-48443849-C-T. GRCh37 (hg19) VCF-style: chr19-48947106-C-T.
Other names: short protein forms P1308L.
Identifiers: ClinVar variation 3709132 (VCV003709132.2).